The following is an entry in ClinVar:

ClinVar aggregate classification (germline): Pathogenic/Likely pathogenic. Review status: criteria provided, multiple submitters, no conflicts (2 of 4 stars). 7 submissions from 7 submitters: Pathogenic (4); Likely pathogenic (3). Last evaluated 2026-07-24.

Conditions:
POLG-related disorder. Also called: POLG-related condition; POLG-Related Disorders; POLG-Related Spectrum Disorders. Identifiers: MedGen C4763519.
Mitochondrial DNA depletion syndrome. Also called: mitochondrial DNA depletion. Identifiers: Orphanet 35698, MedGen C0342782, MONDO:0018158.
Progressive sclerosing poliodystrophy (MTDPS4A). Also called: Mitochondrial DNA depletion syndrome 4A (Alpers type); Alpers Syndrome; NEURONAL DEGENERATION OF CHILDHOOD WITH LIVER DISEASE, PROGRESSIVE; ALPERS PROGRESSIVE INFANTILE POLIODYSTROPHY; ALPERS DIFFUSE DEGENERATION OF CEREBRAL GRAY MATTER WITH HEPATIC CIRRHOSIS; Alpers-Huttenlocher Syndrome. Identifiers: Orphanet 726, MedGen C0205710, MONDO:0008758, OMIM 203700.
Progressive external ophthalmoplegia with mitochondrial DNA deletions, autosomal dominant 1 (PEOA1). Also called: PROGRESSIVE EXTERNAL OPHTHALMOPLEGIA, AUTOSOMAL DOMINANT 1; Autosomal Dominant Progressive External Ophthalmoplegia (adPEO). Identifiers: MedGen C1834846, MONDO:0024528, OMIM 157640.

Allele frequency attached by ClinVar (database versions not stated): gnomAD exomes below 0.00001; gnomAD 0.00001; TOPMed 0.00001.
gnomAD v4.1: 4 of 1,613,982 alleles (0.00025%); highest among the groups gnomAD compares: Non-Finnish European, 0.00025%; no homozygotes.

Submissions (7):

Myriad Genetics, Inc.
Classification: Likely pathogenic for POLG-related disorder. Last evaluated: 2026-07-24. Review status: criteria provided, single submitter. Criteria: Myriad Autosomal Dominant, Autosomal Recessive and X-Linked Classification Criteria (2023). Collection method: clinical testing. Allele origin: unknown.
Comment: NM_002693.2(POLG):c.2558G>A(R853Q) is a missense variant classified as likely pathogenic in the context of POLG-related disorders. R853Q has been observed in cases with relevant disease (PMID: 18546365, 38703036, 39118480, 34690748). Relevant functional assessments of this variant are not available in the literature. Internal structural analysis of the variant is supportive of pathogenicity. R853Q has been observed in referenced population frequency databases. In summary, NM_002693.2(POLG):c.2558G>A(R853Q) is a missense variant that has functional support for pathogenicity and has been observed more frequently in cases with the relevant disease than in healthy populations. Please note: this variant was assessed in the context of healthy population screening.

Baylor Genetics
Classification: Pathogenic for Progressive sclerosing poliodystrophy. Last evaluated: 2024-03-26. Review status: criteria provided, single submitter. Criteria: ACMG Guidelines, 2015. Collection method: clinical testing. Allele origin: unknown.

Labcorp Genetics (formerly Invitae), Labcorp
Classification: Likely pathogenic for Progressive sclerosing poliodystrophy. Last evaluated: 2023-12-05. Review status: criteria provided, single submitter. Criteria: Invitae Variant Classification Sherloc (09022015). Collection method: clinical testing. Allele origin: germline.
Comment: This sequence change replaces arginine, which is basic and polar, with glutamine, which is neutral and polar, at codon 853 of the POLG protein (p.Arg853Gln). This variant is present in population databases (rs796052888, gnomAD 0.004%). This missense change has been observed in individual(s) with clinical features of autosomal recessive myocerebrohepatopathy (PMID: 18546365). In at least one individual the data is consistent with being in trans (on the opposite chromosome) from a pathogenic variant. ClinVar contains an entry for this variant (Variation ID: 206529). Advanced modeling of protein sequence and biophysical properties (such as structural, functional, and spatial information, amino acid conservation, physicochemical variation, residue mobility, and thermodynamic stability) performed at Invitae indicates that this missense variant is expected to disrupt POLG protein function with a positive predictive value of 95%. Experimental studies have shown that this missense change affects POLG function (PMID: 19478085, 20185557). In summary, the currently available evidence indicates that the variant is pathogenic, but additional data are needed to prove that conclusively. Therefore, this variant has been classified as Likely Pathogenic.

Women's Health and Genetics/Laboratory Corporation of America, LabCorp
Classification: Pathogenic for Mitochondrial DNA depletion syndrome. Last evaluated: 2023-08-09. Review status: criteria provided, single submitter. Criteria: LabCorp Variant Classification Summary - May 2015. Collection method: clinical testing. Allele origin: germline.
Comment: Variant summary: POLG c.2558G>A (p.Arg853Gln) results in a conservative amino acid change located in the DNA polymerase gamma, palm domain (IPR047580) of the encoded protein sequence. Four of five in-silico tools predict a damaging effect of the variant on protein function. The variant allele was found at a frequency of 4e-06 in 251394 control chromosomes. c.2558G>A has been reported in the literature as a biallelic compound heterozygous genotype in individuals affected with features of autosomal recessive POLG-Related Mitochondrial DNA Depletion Syndrome/POLG spectrum of disorders (example, Wong_2008, Li_2021). These data indicate that the variant may be associated with disease. At least one publication reports experimental evidence evaluating an impact on protein function (Kasiviswanathan_2009). The most pronounced variant effect results in <10% of normal Polymerase gamma enzyme activity in-vitro. The absence of significant polymerase activity displayed by the p.Arg853Gln polymerase gamma is consistent with mtDNA depletion in the patients and helps to explain the early childhood myocerebrohepatopathy (Wong_2008). The following publications have been ascertained in the context of this evaluation (PMID: 19478085, 34690748, 20185557, 26224072, 18546365). Four submitters have cited clinical-significance assessments for this variant to ClinVar after 2014. All submitters classified the variant as pathogenic/likely pathogenic. Based on the evidence outlined above, the variant was classified as pathogenic.

Laboratorio de Genetica e Diagnostico Molecular, Hospital Israelita Albert Einstein
Classification: Likely pathogenic for Progressive external ophthalmoplegia with mitochondrial DNA deletions, autosomal dominant 1. Last evaluated: 2023-01-27. Review status: criteria provided, single submitter. Criteria: ACMG Guidelines, 2015. Collection method: clinical testing. Allele origin: germline. Affected: yes. Observed: 1 variant allele.
Comment: ACMG classification criteria: PS3 supporting, PM2 supporting, PM3 moderated, PM5 moderated, PP3 supporting

Wong Mito Lab, Molecular and Human Genetics, Baylor College of Medicine
Classification: Pathogenic for Progressive sclerosing poliodystrophy. Last evaluated: 2018-10-01. Review status: criteria provided, single submitter. Criteria: ACMG Guidelines, 2015. Collection method: clinical testing. Allele origin: germline.
Comment: The NM_002693.2:c.2558G>A (NP_002684.1:p.Arg853Gln) [GRCH38: NC_000015.10:g.89321776C>T] variant in POLG gene is interpretated to be a Pathogenic based on ACMG guidelines (PMID: 25741868). This variant meets the following evidence codes reported in the ACMG-guideline. PS1:This variation causes same amino-acid change as an established pathogenic variant. PM1:This variant is in mutational hot spot or a well-studied functional domain without benign variation. PM2:This variant is absent in key population databases. PM3:Detected in trans with a pathogenic variant for Mitochondrial DNA depletion syndrome 4A (Alpers type) which is a recessive disorder. PP1:This variant is co-segregated with Mitochondrial DNA depletion syndrome 4A (Alpers type) in multiple affected family members. PP2:This is a missense variant in POLG with a low rate of benign and high rate of pathogenic missense variations. PP3:Computational evidence/predictors indicate the variant has deleterious effect on POLG structure, function, or protein-protein interaction. PP4:Patient's phenotype or family history is highly specific for POLG. Based on the evidence criteria codes applied, the variant is suggested to be Pathogenic.

GeneDx
Classification: Pathogenic. Last evaluated: 2016-09-01. Review status: criteria provided, single submitter. Criteria: GeneDx Variant Classification (06012015). Collection method: clinical testing. Allele origin: germline. Affected: yes.
Comment: p.Arg853Gln (CGG>CAG): c.2558 G>A in exon 16 of the POLG gene (NM_002693.2). The R853Q missense mutation in the POLG gene has been reported in a patient with myocerebrohepatopathy spectrum (MCHS) who was compound heterozygous for R853Q and two other missense mutations on the opposite POLG allele (Wong et al., 2008). R853Q is located in the thumb subdomain of the POLG protein and expression studies found that this mutation is associated with less than 1% residual polymerase gamma activity compared to wild type (Kasiviswanathan et al., 2009). Therefore, R853Q is considered a disease-causing mutation. The variant is found in EPILEPSY,MITONUC-MITOP panel(s).

Literature cited by the submitters: PubMed 18546365 (cited by 3 submitters); PubMed 34690748 (cited by Myriad Genetics, Inc. and Women's Health and Genetics/Laboratory Corporation of America, LabCorp); PubMed 38703036 (cited by Myriad Genetics, Inc.); PubMed 39118480 (cited by Myriad Genetics, Inc.); PubMed 19478085 (cited by Labcorp Genetics (formerly Invitae), Labcorp and Women's Health and Genetics/Laboratory Corporation of America, LabCorp); PubMed 20185557 (cited by Labcorp Genetics (formerly Invitae), Labcorp and Women's Health and Genetics/Laboratory Corporation of America, LabCorp); PubMed 26224072 (cited by Women's Health and Genetics/Laboratory Corporation of America, LabCorp).

NM_002693.3(POLG):c.2558G>A (p.Arg853Gln)

Gene: POLG (DNA polymerase gamma, catalytic subunit; minus strand). Cytogenetic location: 15q26.1.
Variant type: single nucleotide variant.
Coding change: c.2558G>A on transcript NM_002693.3 (MANE Select); coding-DNA position 2558, G replaced by A.
Protein change: p.Arg853Gln; replaces arginine 853 with glutamine.
Molecular consequence: missense variant.
Genome position (GRCh38, 1-based): chr15:89,321,776, C>T on the plus strand (G>A on the coding strand, the complement: POLG is on the minus strand). VCF-style: chr15-89321776-C-T. GRCh37 (hg19) VCF-style: chr15-89865007-C-T.
Other names: p.R853Q:CGG>CAG; c.2558G>A, p.Arg853Gln (NM_001126131.2); short protein forms R853Q.
Identifiers: ClinVar variation 206529 (VCV000206529.15), dbSNP rs796052888, ClinGen allele CA316703.
Genomic context (GRCh38, chr15:89,321,776, plus strand): 5'-GAGGTACAGAGGTCACATACCCGGGCATTGCTGGCGGTGAGCCATGTGGGCTCCACAGCC[C>T]GGCGAGTGATGGTGCCGGCAGTCACCACTTGGGGCAGGATGGCCCCATAGAGGCCTTCCT-3'
Protein context (NP_002684.1, residues 843-863): QVVTAGTITR[Arg853Gln]AVEPTWLTAS